The following is an entry in ClinVar:

ClinVar aggregate classification (germline): Uncertain significance. Review status: criteria provided, multiple submitters, no conflicts (2 of 4 stars). 2 submissions from 2 submitters: Uncertain significance (2). Last evaluated 2022-08-16.

Conditions:
Microcephaly 2, primary, autosomal recessive, with or without cortical malformations. Also called: MICROCEPHALY 2, PRIMARY, AUTOSOMAL RECESSIVE, WITH CORTICAL MALFORMATIONS; WDR62 Primary Microcephaly. Identifiers: Orphanet 2512, MedGen C1858535, MONDO:0011435, OMIM 604317.

Submissions (2):

Labcorp Genetics (formerly Invitae), Labcorp
Classification: Uncertain significance. Last evaluated: 2022-08-16. Review status: criteria provided, single submitter. Criteria: Invitae Variant Classification Sherloc (09022015). Collection method: clinical testing. Allele origin: germline.
Comment: Experimental studies and prediction algorithms are not available or were not evaluated, and the functional significance of this variant is currently unknown. This variant has not been reported in the literature in individuals affected with WDR62-related conditions. This variant is present in population databases (no rsID available, gnomAD 0.02%). This variant, c.3277_3279del, results in the deletion of 1 amino acid(s) of the WDR62 protein (p.Phe1093del), but otherwise preserves the integrity of the reading frame. In summary, the available evidence is currently insufficient to determine the role of this variant in disease. Therefore, it has been classified as a Variant of Uncertain Significance.

Juno Genomics, Hangzhou Juno Genomics, Inc
Classification: Uncertain significance for Microcephaly 2, primary, autosomal recessive, with or without cortical malformations. Review status: criteria provided, single submitter. Criteria: ACMG Guidelines, 2015. Collection method: clinical testing. Allele origin: germline.
Comment: Absent from controls (or at extremely low frequency if recessive) in Genome Aggregation Database.;Protein length changes due to in-frame deletions/insertions in a non-repeat region or stop-loss variants.

NM_001083961.2(WDR62):c.3274TTC[1] (p.Phe1093del)

Gene: WDR62 (WD repeat domain 62; plus strand). Cytogenetic location: 19q13.12.
Variant type: Microsatellite.
Coding change: c.3274TTC[1] on transcript NM_001083961.2 (MANE Select); one copy of the 3-base unit TTC starting at c.3274; the reference has two copies in a row; one copy, 3 bases deleted; also written c.3277_3279del.
Protein change: p.Phe1093del; deletes phenylalanine 1093.
Molecular consequence: inframe deletion.
Genome position (GRCh38, 1-based): chr19:36,102,793-36,102,795, TTC deleted; deleting any 3 consecutive bases within chr19:36,102,789-36,102,795 gives the same sequence; the position shown is the placement nearest the transcript's 3' end. VCF-style (leftmost placement, unchanged base first): chr19-36102788-ACTT-A. GRCh37 (hg19) VCF-style: chr19-36593690-ACTT-A.
Other names: c.3259TTC[1], p.Phe1088del (NM_001411145.1, NM_173636.5); c.3025TTC[1], p.Phe1010del (NM_001411146.1); c.2923TTC[1], p.Phe976del (NM_001411147.1); c.3277_3279del (NM_001083961.2); short protein forms F1010del, F1088del, F976del, F1093del.
Identifiers: ClinVar variation 1955393 (VCV001955393.7), dbSNP rs1183907455, ClinGen allele CA632787829.